The following is an entry in ClinVar:

ClinVar aggregate classification (germline): Uncertain significance. Review status: criteria provided, multiple submitters, no conflicts (2 of 4 stars). 3 submissions from 3 submitters: Uncertain significance (3). Last evaluated 2023-04-11.

Conditions:
Autosomal dominant nonsyndromic hearing loss 2A. Also called: DFNA2 Nonsyndromic Hearing Loss; Deafness, autosomal dominant 2A; Autosomal dominant nonsyndromic deafness 2A. Identifiers: Orphanet 90635, MedGen C2677637, MONDO:0010817, OMIM 600101.

Allele frequency attached by ClinVar (database versions not stated): TOPMed 0.00001; gnomAD 0.00003.
gnomAD v4.1: 13 of 1,613,672 alleles (0.00081%); highest among the groups gnomAD compares: Non-Finnish European, 0.001%; no homozygotes.

Submissions (3):

Genome-Nilou Lab
Classification: Uncertain significance for Autosomal dominant nonsyndromic hearing loss 2A. Last evaluated: 2023-04-11. Review status: criteria provided, single submitter. Criteria: ACMG Guidelines, 2015. Collection method: clinical testing. Allele origin: germline. Affected: no.

Labcorp Genetics (formerly Invitae), Labcorp
Classification: Uncertain significance. Last evaluated: 2021-10-11. Review status: criteria provided, single submitter. Criteria: Invitae Variant Classification Sherloc (09022015). Collection method: clinical testing. Allele origin: germline.
Comment: This sequence change affects codon 278 of the KCNQ4 mRNA. It is a 'silent' change, meaning that it does not change the encoded amino acid sequence of the KCNQ4 protein. This variant also falls at the last nucleotide of exon 5, which is part of the consensus splice site for this exon. In summary, the available evidence is currently insufficient to determine the role of this variant in disease. Therefore, it has been classified as a Variant of Uncertain Significance. Nucleotide substitutions within the consensus splice site are a relatively common cause of aberrant splicing (PMID: 17576681, 9536098). Algorithms developed to predict the effect of sequence changes on RNA splicing suggest that this variant may disrupt the consensus splice site, but this prediction has not been confirmed by published transcriptional studies. This variant has not been reported in the literature in individuals with KCNQ4-related conditions. ClinVar contains an entry for this variant (Variation ID: 667252). This variant is not present in population databases (ExAC no frequency).

Laboratory for Molecular Medicine, Mass General Brigham Personalized Medicine
Classification: Uncertain significance. Last evaluated: 2018-02-24. Review status: criteria provided, single submitter. Criteria: LMM Criteria. Collection method: clinical testing. Allele origin: germline. Observed: 1 variant allele.
Comment: The p.Thr278Thr variant in KCNQ4 has not been previously reported in individuals with hearing loss, but has been identified in 3/126572 of KCNQ4 chromosomes by the Genome Aggregation Database (gnomAD; dbSN P rs766877660). Although this variant has been seen in the general population, i ts frequency is not high enough to rule out a pathogenic role. This variant is l ocated in the last three bases of the exon, which is part of the 5? splice regio n. Computational tools do suggest an impact to splicing. However, this informati on is not predictive enough to determine pathogenicity. In summary, the clinical significance of the p.Thr287Thr variant is uncertain. ACMG/AMP Criteria applied : PP3.

Literature cited by the submitters: PubMed 17576681 (cited by Labcorp Genetics (formerly Invitae), Labcorp); PubMed 9536098 (cited by Labcorp Genetics (formerly Invitae), Labcorp).

NM_004700.4(KCNQ4):c.834G>T (p.Thr278=)

Gene: KCNQ4 (potassium voltage-gated channel subfamily Q member 4; plus strand). Cytogenetic location: 1p34.2.
Variant type: single nucleotide variant.
Coding change: c.834G>T on transcript NM_004700.4 (MANE Select); coding-DNA position 834, G replaced by T.
Protein change: p.Thr278=; no amino-acid change (threonine 278 retained).
Molecular consequence: synonymous variant.
Genome position (GRCh38, 1-based): chr1:40,819,472, G>T. VCF-style: chr1-40819472-G-T. GRCh37 (hg19) VCF-style: chr1-41285144-G-T.
Other names: c.834G>T, p.Thr278= (NM_172163.3).
Identifiers: ClinVar variation 667252 (VCV000667252.10), dbSNP rs766877660, ClinGen allele CA417357678.